The following is an entry in ClinVar:

NM_020843.4(SCAPER):c.724G>A (p.Ala242Thr)

Gene: SCAPER (S-phase cyclin A associated protein in the ER; minus strand). Cytogenetic location: 15q24.3.
Variant type: single nucleotide variant.
Coding change: c.724G>A on transcript NM_020843.4 (MANE Select); coding-DNA position 724, G replaced by A.
Protein change: p.Ala242Thr; replaces alanine 242 with threonine.
Molecular consequence: missense variant. On other transcripts: 5 prime UTR variant (1), non-coding transcript variant (1).
Genome position (GRCh38, 1-based): chr15:76,795,328, C>T on the plus strand (G>A on the coding strand, the complement: SCAPER is on the minus strand). VCF-style: chr15-76795328-C-T. GRCh37 (hg19) VCF-style: chr15-77087669-C-T.
Other names: c.724G>A (NM_001353009.1); c.-174G>A (NM_001145923.2); c.724G>A, p.Ala242Thr (NM_001353009.2); c.322G>A, p.Ala108Thr (NM_001353010.2, NM_001353011.2, NM_001353012.2); short protein forms A242T, A108T.
Identifiers: ClinVar variation 3316386 (VCV003316386.3).
Genomic context (GRCh38, chr15:76,795,328, plus strand): 5'-GAAGTCACTTGCCATTTTTGCGTGAGGCCTTCTGCACTGTCATTGGTGGGCAAGACTGGG[C>T]GGGTGTTATTTCTGAAGAAGCAGTAGAGCCTGTATGATGAGCCTTTACCTTGTCAGCCCA-3'
Protein context (NP_065894.2, residues 232-252): GSTASSEITP[Ala242Thr]QSCPPMTVQK

ClinVar aggregate classification (germline): Likely benign. Review status: criteria provided, multiple submitters, no conflicts (2 of 4 stars). 3 submissions from 3 submitters: Likely benign (2). 1 of the submissions does not count toward it. Last evaluated 2024-10-02.

Conditions:
Inborn genetic diseases. Identifiers: MedGen C0950123, MeSH D030342.
SCAPER-related disorder. Also called: SCAPER-related condition.

gnomAD v4.1: 459 of 1,613,062 alleles (0.028%); highest among the groups gnomAD compares: African/African-American, 0.51%; 3 homozygotes.

Submissions (3):

Blueprint Genetics
Classification: Likely benign. Last evaluated: 2024-10-02. Review status: criteria provided, single submitter. Criteria: ACMG Guidelines, 2015. Collection method: clinical testing. Allele origin: germline.

Ambry Genetics
Classification: Likely benign for Inborn genetic diseases. Last evaluated: 2024-03-30. Review status: criteria provided, single submitter. Criteria: Ambry Variant Classification Scheme 2023. Collection method: clinical testing. Allele origin: germline.

PreventionGenetics, part of Exact Sciences
Classification: Likely benign for SCAPER-related condition. Last evaluated: 2024-08-15. Review status: no assertion criteria provided. Collection method: clinical testing. Allele origin: germline. Not counted in ClinVar's aggregate classification.
Comment: This variant is classified as likely benign based on ACMG/AMP sequence variant interpretation guidelines (Richards et al. 2015 PMID: 25741868, with internal and published modifications).